The following is an entry in ClinVar:

NM_001848.3(COL6A1):c.2216C>T (p.Thr739Ile)

Gene: COL6A1 (collagen type VI alpha 1 chain; plus strand). Cytogenetic location: 21q22.3.
Variant type: single nucleotide variant.
Coding change: c.2216C>T on transcript NM_001848.3 (MANE Select); coding-DNA position 2216, C replaced by T.
Protein change: p.Thr739Ile; replaces threonine 739 with isoleucine.
Molecular consequence: missense variant.
Genome position (GRCh38, 1-based): chr21:46,002,367, C>T. VCF-style: chr21-46002367-C-T. GRCh37 (hg19) VCF-style: chr21-47422281-C-T.
Other names: short protein forms T739I.
Identifiers: ClinVar variation 4717323 (VCV004717323.1).

ClinVar aggregate classification (germline): Uncertain significance (1 of 4 stars; one submission).

Conditions:
Bethlem myopathy 1A. Also called: MYOPATHY, BENIGN CONGENITAL, WITH CONTRACTURES; Bethlem myopathy 1; Bethlem Muscular Dystrophy. Identifiers: Orphanet 610, MedGen CN029274, MONDO:0024530, OMIM 158810.

Submission:

Labcorp Genetics (formerly Invitae), Labcorp
Classification: Uncertain significance for Bethlem myopathy 1A. Last evaluated: 2025-10-24. Review status: criteria provided, single submitter. Criteria: Invitae Variant Classification Sherloc (09022015). Collection method: clinical testing. Allele origin: germline.
Comment: This sequence change replaces threonine, which is neutral and polar, with isoleucine, which is neutral and non-polar, at codon 739 of the COL6A1 protein (p.Thr739Ile). This variant is not present in population databases (gnomAD no frequency). This variant has not been reported in the literature in individuals affected with COL6A1-related conditions. Invitae Evidence Modeling of protein sequence and biophysical properties (such as structural, functional, and spatial information, amino acid conservation, physicochemical variation, residue mobility, and thermodynamic stability) indicates that this missense variant is not expected to disrupt COL6A1 protein function with a negative predictive value of 95%. In summary, the available evidence is currently insufficient to determine the role of this variant in disease. Therefore, it has been classified as a Variant of Uncertain Significance.